The following is an entry in ClinVar:

NM_001377.3(DYNC2H1):c.5143T>A (p.Cys1715Ser)

Gene: DYNC2H1 (dynein cytoplasmic 2 heavy chain 1; plus strand). Cytogenetic location: 11q22.3.
Variant type: single nucleotide variant.
Coding change: c.5143T>A on transcript NM_001377.3 (MANE Select); coding-DNA position 5143, T replaced by A.
Protein change: p.Cys1715Ser; replaces cysteine 1715 with serine.
Molecular consequence: missense variant.
Genome position (GRCh38, 1-based): chr11:103,170,282, T>A. VCF-style: chr11-103170282-T-A. GRCh37 (hg19) VCF-style: chr11-103041011-T-A.
Other names: c.5143T>A, p.Cys1715Ser (NM_001080463.2); short protein forms C1715S.
Identifiers: ClinVar variation 2142057 (VCV002142057.4), dbSNP rs1861515705, ClinGen allele CA382241465.

ClinVar aggregate classification (germline): Uncertain significance (1 of 4 stars; one submission).

Conditions:
Jeune thoracic dystrophy. Also called: Jeune syndrome; Infantile thoracic dystrophy; Thoracic pelvic phalangeal dystrophy; Jeune's syndrome; Chondroectodermal dysplasia-like syndrome; Short-rib thoracic dysplasia. Identifiers: Orphanet 474, MedGen C0265275, MONDO:0018770.

Submission:

Labcorp Genetics (formerly Invitae), Labcorp
Classification: Uncertain significance for Jeune thoracic dystrophy. Last evaluated: 2023-11-28. Review status: criteria provided, single submitter. Criteria: Invitae Variant Classification Sherloc (09022015). Collection method: clinical testing. Allele origin: germline.
Comment: This sequence change replaces cysteine, which is neutral and slightly polar, with serine, which is neutral and polar, at codon 1715 of the DYNC2H1 protein (p.Cys1715Ser). This variant is not present in population databases (gnomAD no frequency). This variant has not been reported in the literature in individuals affected with DYNC2H1-related conditions. ClinVar contains an entry for this variant (Variation ID: 2142057). Advanced modeling of protein sequence and biophysical properties (such as structural, functional, and spatial information, amino acid conservation, physicochemical variation, residue mobility, and thermodynamic stability) performed at Invitae indicates that this missense variant is expected to disrupt DYNC2H1 protein function with a positive predictive value of 95%. In summary, the available evidence is currently insufficient to determine the role of this variant in disease. Therefore, it has been classified as a Variant of Uncertain Significance.